The following is an entry in ClinVar:

ClinVar aggregate classification (germline): Uncertain significance. Review status: criteria provided, multiple submitters, no conflicts (2 of 4 stars). 2 submissions from 2 submitters: Uncertain significance (2). Last evaluated 2025-11-26.

Conditions:
DNA ligase IV deficiency. Identifiers: Orphanet 99812, MedGen C1847827, MONDO:0011686, OMIM 606593.
Inborn genetic diseases. Identifiers: MedGen C0950123, MeSH D030342.

Allele frequency attached by ClinVar (database versions not stated): gnomAD exomes below 0.00001 and 0.00002; ExAC 0.00001; gnomAD 0.00001; TOPMed 0.00001.
gnomAD v4.1: 25 of 1,614,062 alleles (0.0015%); highest among the groups gnomAD compares: Non-Finnish European, 0.002%; no homozygotes.

Submissions (2):

Ambry Genetics
Classification: Uncertain significance for Inborn genetic diseases. Last evaluated: 2025-11-26. Review status: criteria provided, single submitter. Criteria: Ambry Variant Classification Scheme 2023. Collection method: clinical testing. Allele origin: germline.

Labcorp Genetics (formerly Invitae), Labcorp
Classification: Uncertain significance for DNA ligase IV deficiency. Last evaluated: 2025-10-21. Review status: criteria provided, single submitter. Criteria: Invitae Variant Classification Sherloc (09022015). Collection method: clinical testing. Allele origin: germline.
Comment: This sequence change replaces cysteine, which is neutral and slightly polar, with arginine, which is basic and polar, at codon 574 of the LIG4 protein (p.Cys574Arg). This variant is present in population databases (rs201308256, gnomAD 0.002%). This variant has not been reported in the literature in individuals affected with LIG4-related conditions. ClinVar contains an entry for this variant (Variation ID: 1368441). Invitae Evidence Modeling of protein sequence and biophysical properties (such as structural, functional, and spatial information, amino acid conservation, physicochemical variation, residue mobility, and thermodynamic stability) indicates that this missense variant is expected to disrupt LIG4 protein function with a positive predictive value of 80%. In summary, the available evidence is currently insufficient to determine the role of this variant in disease. Therefore, it has been classified as a Variant of Uncertain Significance.

NM_206937.2(LIG4):c.1720T>C (p.Cys574Arg)

Gene: LIG4 (DNA ligase 4; minus strand). Cytogenetic location: 13q33.3.
Variant type: single nucleotide variant.
Coding change: c.1720T>C on transcript NM_206937.2 (MANE Select); coding-DNA position 1720, T replaced by C.
Protein change: p.Cys574Arg; replaces cysteine 574 with arginine.
Molecular consequence: missense variant.
Genome position (GRCh38, 1-based): chr13:108,209,549, A>G on the plus strand (T>C on the coding strand, the complement: LIG4 is on the minus strand). VCF-style: chr13-108209549-A-G. GRCh37 (hg19) VCF-style: chr13-108861897-A-G.
Other names: c.1720T>C, p.Cys574Arg (NM_001098268.2, NM_001352598.2, NM_001352599.2 and 6 more transcripts); c.1519T>C, p.Cys507Arg (NM_001330595.2); c.1756T>C, p.Cys586Arg (NM_001352604.2); short protein forms C586R, C507R, C574R.
Identifiers: ClinVar variation 1368441 (VCV001368441.5), dbSNP rs201308256, ClinGen allele CA7043631.